The following is an entry in ClinVar:

ClinVar aggregate classification (germline): Uncertain significance. Review status: criteria provided, multiple submitters, no conflicts (2 of 4 stars). 2 submissions from 2 submitters: Uncertain significance (2). Last evaluated 2024-10-17.

Conditions:
Cardiovascular phenotype. Identifiers: MedGen CN230736.

Submissions (2):

Ambry Genetics
Classification: Uncertain significance for Cardiovascular phenotype. Last evaluated: 2024-10-17. Review status: criteria provided, single submitter. Criteria: Ambry Variant Classification Scheme 2023. Collection method: clinical testing. Allele origin: germline.
Comment: The c.17642_17650delGACCACTCA variant (also known as p.R5881_L5883del) is located in coding exon 70 of the TTN gene. This variant results from an in-frame GACCACTCA deletion at nucleotide positions 17642 to 17650. This results in the in-frame deletion of 3 amino acids (RPL) at codons 5881 to 5883. These amino acid position are well conserved in available vertebrate species. In addition, this alteration is predicted to be deleterious by in silico analysis (Choi Y et al. PLoS ONE. 2012; 7(10):e46688). Based on the available evidence, the clinical significance of this variant remains unclear.

Women's Health and Genetics/Laboratory Corporation of America, LabCorp
Classification: Uncertain significance. Last evaluated: 2019-09-23. Review status: criteria provided, single submitter. Criteria: LabCorp Variant Classification Summary - May 2015. Collection method: clinical testing. Allele origin: germline.
Comment: Variant summary: TTN c.37133_37141delGACCACTCA (p.Arg12378_Leu12380del) results in an in-frame deletion that is predicted to remove 3 amino acids from the I-band region of the encoded protein. The variant was absent in 237744 control chromosomes. The available data on variant occurrences in the general population are insufficient to allow any conclusion about variant significance. To our knowledge, no occurrence of c.37133_37141delGACCACTCA in individuals affected with Cardiomyopathy and no experimental evidence demonstrating its impact on protein function have been reported. No clinical diagnostic laboratories have submitted clinical-significance assessments for this variant to ClinVar after 2014. Based on the evidence outlined above, the variant was classified as uncertain significance.

NM_001267550.2(TTN):c.44837_44845del (p.Arg14946_Leu14948del)

Gene: TTN (titin; minus strand). Cytogenetic location: 2q31.2.
Variant type: Deletion.
Coding change: c.44837_44845del on transcript NM_001267550.2 (MANE Select); coding-DNA positions 44837 to 44845, 9 bases deleted (GACCACTCA; older notation c.44837_44845delGACCACTCA).
Protein change: p.Arg14946_Leu14948del.
Molecular consequence: inframe deletion.
Genome position (GRCh38, 1-based): chr2:178,622,738-178,622,746, TGAGTGGTC deleted on the plus strand (GACCACTCA on the coding strand, the reverse complement: TTN is on the minus strand); deleting any 9 consecutive bases within chr2:178,622,738-178,622,747 gives the same sequence; the c. name uses the placement nearest the transcript's 3' end. VCF-style (leftmost placement, unchanged base first): chr2-178622737-GTGAGTGGTC-G. GRCh37 (hg19) VCF-style: chr2-179487464-GTGAGTGGTC-G.
Other names: c.39914_39922del, p.Arg13305_Leu13307del (NM_001256850.1); c.17642_17650del, p.Arg5881_Leu5883del (NM_003319.4); c.37133_37141del, p.Arg12378_Leu12380del (NM_133378.4); c.18017_18025del, p.Arg6006_Leu6008del (NM_133432.3); c.18218_18226del, p.Arg6073_Leu6075del (NM_133437.4); c.17642_17650delGACCACTCA (NM_003319.4).
Identifiers: ClinVar variation 928501 (VCV000928501.2), dbSNP rs1436256356, ClinGen allele CA761292463.